The following is an entry in ClinVar:

NM_017617.5(NOTCH1):c.3129C>G (p.Tyr1043Ter)

Gene: NOTCH1 (notch receptor 1; minus strand). Cytogenetic location: 9q34.3.
Variant type: single nucleotide variant.
Coding change: c.3129C>G on transcript NM_017617.5 (MANE Select); coding-DNA position 3129, C replaced by G.
Protein change: p.Tyr1043Ter; replaces tyrosine 1043 with a stop codon.
Molecular consequence: nonsense.
Genome position (GRCh38, 1-based): chr9:136,508,912, G>C on the plus strand (C>G on the coding strand, the complement: NOTCH1 is on the minus strand). VCF-style: chr9-136508912-G-C. GRCh37 (hg19) VCF-style: chr9-139403364-G-C.
Other names: short protein forms Y1043*.
Identifiers: ClinVar variation 4121673 (VCV004121673.1).

ClinVar aggregate classification (germline): Pathogenic (1 of 4 stars; one submission).

Conditions:
Familial thoracic aortic aneurysm and aortic dissection (TAAD). Also called: Thoracic aortic aneurysms and dissections. Identifiers: Orphanet 91387, MedGen C4707243, MONDO:0019625.

Submission:

Ambry Genetics
Classification: Pathogenic for Familial thoracic aortic aneurysm and aortic dissection. Last evaluated: 2025-07-29. Review status: criteria provided, single submitter. Criteria: Ambry Variant Classification Scheme 2023. Collection method: clinical testing. Allele origin: germline.
Comment: The c.3129C>G (p.Y1043*) alteration, located in exon 19 (coding exon 19) of the NOTCH1 gene, consists of a C to G substitution at nucleotide position 3129. This changes the amino acid from a tyrosine (Y) to a stop codon at amino acid position 1043. This alteration is expected to result in loss of function by premature protein truncation or nonsense-mediated mRNA decay. for autosomal dominant NOTCH1-related cardiovascular disorders; however, its clinical significance for NOTCH1-related leukoencephalopathy is uncertain. This variant was not reported in population-based cohorts in the Genome Aggregation Database (gnomAD). Based on the available evidence, this alteration is classified as pathogenic.